The following is an entry in ClinVar:

NM_001349206.2(LPIN1):c.1807-2A>G

Gene: LPIN1 (lipin 1; plus strand). Cytogenetic location: 2p25.1.
Variant type: single nucleotide variant.
Coding change: c.1807-2A>G on transcript NM_001349206.2 (MANE Select); the canonical splice acceptor site of the intron before coding-DNA position 1807, A replaced by G.
Molecular consequence: splice acceptor variant.
Genome position (GRCh38, 1-based): chr2:11,795,406, A>G. VCF-style: chr2-11795406-A-G. GRCh37 (hg19) VCF-style: chr2-11935532-A-G.
Other names: c.1954-2A>G (NM_001261428.3); c.1846-2A>G (NM_001349208.2); c.1897-2A>G (NM_001349207.2); c.1717-2A>G (NM_001261427.3); c.1807-2A>G (NM_001349204.2, NM_001349205.2); c.1804-2A>G (NM_001349202.2, NM_001349203.2); c.1777-2A>G (NM_001349200.2, NM_001349201.2); c.1699-2A>G (NM_001349199.2, NM_145693.4).
Identifiers: ClinVar variation 1465375 (VCV001465375.11), dbSNP rs533651991, ClinGen allele CA1533874.

ClinVar aggregate classification (germline): Pathogenic/Likely pathogenic. Review status: criteria provided, multiple submitters, no conflicts (2 of 4 stars). 4 submissions from 4 submitters: Pathogenic (2); Likely pathogenic (2). Last evaluated 2025-10-07.

Conditions:
Myoglobinuria, acute recurrent, autosomal recessive. Also called: MYOGLOBINURIA, FAMILIAL PAROXYSMAL PARALYTIC; Myoglobinuria, recurrent, autosomal recessive; RHABDOMYOLYSIS, ACUTE RECURRENT. Identifiers: Orphanet 99845, MedGen C1849386, MONDO:0009992, OMIM 268200.

Allele frequency attached by ClinVar (database versions not stated): gnomAD exomes below 0.00001 and 0.00001; ExAC 0.00003; gnomAD 0.00007; TOPMed 0.00028; 1000 Genomes Project 30x 0.00031; 1000 Genomes Project 0.00040.
gnomAD v4.1: 23 of 1,613,258 alleles (0.0014%); highest among the groups gnomAD compares: Admixed American, 0.022%; no homozygotes.

Submissions (4):

GeneDx
Classification: Pathogenic. Last evaluated: 2025-10-07. Review status: criteria provided, single submitter. Criteria: GeneDx Variant Classification Process June 2021. Collection method: clinical testing. Allele origin: germline.
Comment: Canonical splice site variant predicted to result in a null allele in a gene for which loss of function is a known mechanism of disease; Not observed at significant frequency in large population cohorts (gnomAD); This variant is associated with the following publications: (PMID: 26111941, 18817903, 20583302, 22481384, 35242575)

Labcorp Genetics (formerly Invitae), Labcorp
Classification: Pathogenic. Last evaluated: 2025-08-12. Review status: criteria provided, single submitter. Criteria: Invitae Variant Classification Sherloc (09022015). Collection method: clinical testing. Allele origin: germline.
Comment: This sequence change affects an acceptor splice site in intron 12 of the LPIN1 gene. It is expected to disrupt RNA splicing. Variants that disrupt the donor or acceptor splice site typically lead to a loss of protein function (PMID: 16199547), and loss-of-function variants in LPIN1 are known to be pathogenic (PMID: 18817903, 20583302, 22481384, 26111941). This variant is present in population databases (rs533651991, gnomAD 0.006%). Disruption of this splice site has been observed in individuals with clinical features of autosomal recessive myoglobinuria (PMID: 35242575; internal data). ClinVar contains an entry for this variant (Variation ID: 1465375). Algorithms developed to predict the effect of sequence changes on RNA splicing suggest that this variant may disrupt the consensus splice site. For these reasons, this variant has been classified as Pathogenic.

Fulgent Genetics
Classification: Likely pathogenic for Myoglobinuria, acute recurrent, autosomal recessive. Last evaluated: 2024-02-10. Review status: criteria provided, single submitter. Criteria: ACMG Guidelines, 2015. Collection method: clinical testing. Allele origin: germline.

Mayo Clinic Laboratories, Mayo Clinic
Classification: Likely pathogenic. Last evaluated: 2022-11-10. Review status: criteria provided, single submitter. Criteria: ACMG Guidelines, 2015. Collection method: clinical testing. Allele origin: germline. Observed: 1 variant allele.
Comment: PM2, PVS1

Literature cited by the submitters: PubMed 16199547 (cited by Labcorp Genetics (formerly Invitae), Labcorp); PubMed 18817903 (cited by Labcorp Genetics (formerly Invitae), Labcorp); PubMed 20583302 (cited by Labcorp Genetics (formerly Invitae), Labcorp); PubMed 22481384 (cited by Labcorp Genetics (formerly Invitae), Labcorp); PubMed 26111941 (cited by Labcorp Genetics (formerly Invitae), Labcorp); PubMed 35242575 (cited by Labcorp Genetics (formerly Invitae), Labcorp and Mayo Clinic Laboratories, Mayo Clinic).